The following is an entry in ClinVar:

ClinVar aggregate classification (germline): Likely pathogenic (1 of 4 stars; one submission).

Conditions:
Danon disease. Also called: ANTOPOL DISEASE; PSEUDOGLYCOGENOSIS II; GSD IIb; LYSOSOMAL GLYCOGEN STORAGE DISEASE WITHOUT ACID MALTASE DEFICIENCY; Glycogen Storage Disease Type IIb. Identifiers: Orphanet 34587, MedGen C0878677, MONDO:0010281, OMIM 300257.

Submission:

Department of Cardiovascular Medicine, The University of Tokyo, Graduate School of Medicine
Classification: Likely pathogenic for Danon disease. Last evaluated: 2023-12-01. Review status: criteria provided, single submitter. Criteria: ACMG Guidelines, 2015. Collection method: clinical testing, research. Allele origin: unknown, germline. Inheritance: X-linked inheritance. Affected: yes. Observed: 1 hemizygote. Functional consequence: sequence_variant_affecting_splicing. Segregation with disease not observed.
Comment: A case report (PMID:38246647) showed the exon 6 skipping in LAMP2 gene with human tissues and demonstrated LAMP2 deficiency in cardiac and skeletal muscle. Exon 6 skipping in LAMP2 gene is a many reported cause of Danon disease in human (PMID:37277924, PMID:24691104, PMID:21161685, PMID: 23262972, PMID:29463847, PMID:28822614, PMID: 9536098, PMID:10972294, DOI:10.1016/j.genrep.2019.100564), and it was also confirmed in mice model (PMID: 34459252). This variant was confirmed to cause exon 6 skipping (PS3). This variant is absent in databases, including ExAC, gnomAD Global AF, gnomAD EAS AF, TMM 54K JPN AF (PM2 Supporting). This variant cause exon 6 skipping resulting in protein length changing (PM4), and the patient's phenotype was highly specific for Danon disease (PP4).

Literature cited by the submitters: PubMed 37277924; PubMed 24691104; PubMed 21161685; PubMed 23262972; PubMed 29463847; PubMed 28822614; PubMed 9536098; PubMed 10972294; DOI 10.1016/j.genrep.2019.100564; PubMed 34459252.

NM_002294.3(LAMP2):c.864+5G>A

Gene: LAMP2 (lysosome associated membrane protein 2; minus strand). Cytogenetic location: Xq24.
Variant type: single nucleotide variant.
Coding change: c.864+5G>A on transcript NM_002294.3 (MANE Select); 5 bases into the intron after coding-DNA position 864, G replaced by A.
Molecular consequence: intron variant.
Genome position (GRCh38, 1-based): chrX:120,446,300, C>T on the plus strand (G>A on the coding strand, the complement: LAMP2 is on the minus strand). VCF-style: chrX-120446300-C-T. GRCh37 (hg19) VCF-style: chrX-119580155-C-T.
Other names: c.864+5G>A (NM_001122606.1, NM_013995.2).
Identifiers: ClinVar variation 3251932 (VCV003251932.3), dbSNP rs1352584474.